The following is an entry in ClinVar:

ClinVar aggregate classification (germline): Uncertain significance. Review status: criteria provided, multiple submitters, no conflicts (2 of 4 stars). 4 submissions from 4 submitters: Uncertain significance (4). Last evaluated 2024-10-23.

Conditions:
Myopathy, centronuclear, 5 (CNM5). Identifiers: Orphanet 169186, MedGen C4014814, MONDO:0014418, OMIM 615959.
Inborn genetic diseases. Identifiers: MedGen C0950123, MeSH D030342.

Allele frequency attached by ClinVar (database versions not stated): TOPMed 0.00004; gnomAD exomes 0.00009 and 0.00005; gnomAD 0.00005 and 0.00004; ExAC 0.00006.
gnomAD v4.1: 132 of 1,612,448 alleles (0.0082%); highest among the groups gnomAD compares: East Asian, 0.011%; no homozygotes.

Submissions (4):

Revvity Omics, Revvity
Classification: Uncertain significance for Myopathy, centronuclear, 5. Last evaluated: 2024-10-23. Review status: criteria provided, single submitter. Criteria: ACMG Guidelines, 2015. Collection method: clinical testing. Allele origin: germline.

Ambry Genetics
Classification: Uncertain significance for Inborn genetic diseases. Last evaluated: 2022-07-20. Review status: criteria provided, single submitter. Criteria: Ambry Variant Classification Scheme 2023. Collection method: clinical testing. Allele origin: germline.

Labcorp Genetics (formerly Invitae), Labcorp
Classification: Uncertain significance. Last evaluated: 2022-06-13. Review status: criteria provided, single submitter. Criteria: Invitae Variant Classification Sherloc (09022015). Collection method: clinical testing. Allele origin: germline.
Comment: This sequence change replaces arginine, which is basic and polar, with tryptophan, which is neutral and slightly polar, at codon 3006 of the SPEG protein (p.Arg3006Trp). This variant is present in population databases (rs781096883, gnomAD 0.03%). This variant has not been reported in the literature in individuals affected with SPEG-related conditions. ClinVar contains an entry for this variant (Variation ID: 1162956). Algorithms developed to predict the effect of missense changes on protein structure and function are either unavailable or do not agree on the potential impact of this missense change (SIFT: "Deleterious"; PolyPhen-2: "Possibly Damaging"; Align-GVGD: "Class C0"). Algorithms developed to predict the effect of sequence changes on RNA splicing suggest that this variant may create or strengthen a splice site. In summary, the available evidence is currently insufficient to determine the role of this variant in disease. Therefore, it has been classified as a Variant of Uncertain Significance.

Mayo Clinic Laboratories, Mayo Clinic
Classification: Uncertain significance. Last evaluated: 2020-04-27. Review status: criteria provided, single submitter. Criteria: ACMG Guidelines, 2015. Collection method: clinical testing. Allele origin: germline. Observed: 1 variant allele.

NM_005876.5(SPEG):c.9016C>T (p.Arg3006Trp)

Genes: ASIC4-AS1 (ASIC4 antisense RNA 1; minus strand), SPEG (striated muscle enriched protein kinase; plus strand). Cytogenetic location: 2q35.
Variant type: single nucleotide variant.
Coding change: c.9016C>T on transcript NM_005876.5 (MANE Select); coding-DNA position 9016, C replaced by T.
Protein change: p.Arg3006Trp; replaces arginine 3006 with tryptophan.
Molecular consequence: missense variant.
Genome position (GRCh38, 1-based): chr2:219,490,503, C>T. VCF-style: chr2-219490503-C-T. GRCh37 (hg19) VCF-style: chr2-220355225-C-T.
Other names: short protein forms R3006W.
Identifiers: ClinVar variation 1162956 (VCV001162956.10), dbSNP rs781096883, ClinGen allele CA2127649.